The following is an entry in ClinVar:

NM_001845.6(COL4A1):c.686del (p.Gly229fs)

Gene: COL4A1 (collagen type IV alpha 1 chain; minus strand). Cytogenetic location: 13q34.
Variant type: Deletion.
Coding change: c.686del on transcript NM_001845.6 (MANE Select); coding-DNA position 686, one base deleted (G; older notation c.686delG).
Protein change: p.Gly229fs; shifts the reading frame from glycine 229.
Molecular consequence: frameshift variant.
Genome position (GRCh38, 1-based): chr13:110,208,856, C deleted on the plus strand (G on the coding strand, the reverse complement: COL4A1 is on the minus strand); the first of 2 consecutive C bases (chr13:110,208,856-110,208,857); deleting either gives the same sequence. VCF-style (leftmost placement, unchanged base first): chr13-110208855-AC-A. GRCh37 (hg19) VCF-style: chr13-110861202-AC-A.
Other names: c.686del, p.Gly229fs (NM_001303110.2); short protein forms G229fs.
Identifiers: ClinVar variation 2747081 (VCV002747081.3), dbSNP rs2501590728, ClinGen allele CA2623682238.

ClinVar aggregate classification (germline): Pathogenic (1 of 4 stars; one submission).

Submission:

Labcorp Genetics (formerly Invitae), Labcorp
Classification: Pathogenic. Last evaluated: 2023-08-06. Review status: criteria provided, single submitter. Criteria: Invitae Variant Classification Sherloc (09022015). Collection method: clinical testing. Allele origin: germline.
Comment: For these reasons, this variant has been classified as Pathogenic. This variant has not been reported in the literature in individuals affected with COL4A1-related conditions. This variant is not present in population databases (gnomAD no frequency). This sequence change creates a premature translational stop signal (p.Gly229Valfs*85) in the COL4A1 gene. It is expected to result in an absent or disrupted protein product. Loss-of-function variants in COL4A1 are known to be pathogenic (PMID: 23225343).

Literature cited by the submitters: PubMed 23225343.